The following is an entry in ClinVar:

NM_024312.5(GNPTAB):c.325G>T (p.Glu109Ter)

Gene: GNPTAB (N-acetylglucosamine-1-phosphate transferase subunits alpha and beta; minus strand). Cytogenetic location: 12q23.2.
Variant type: single nucleotide variant.
Coding change: c.325G>T on transcript NM_024312.5 (MANE Select); coding-DNA position 325, G replaced by T.
Protein change: p.Glu109Ter; replaces glutamic acid 109 with a stop codon.
Molecular consequence: nonsense.
Genome position (GRCh38, 1-based): chr12:101,788,588, C>A on the plus strand (G>T on the coding strand, the complement: GNPTAB is on the minus strand). VCF-style: chr12-101788588-C-A. GRCh37 (hg19) VCF-style: chr12-102182366-C-A.
Other names: c.325G>T (NM_024312.4); short protein forms E109*.
Identifiers: ClinVar variation 1459530 (VCV001459530.10), dbSNP rs377553632, ClinGen allele CA6746914.
Genomic context (GRCh38, chr12:101,788,588, plus strand): 5'-GAGGAAATCAAAATGCTTACCTCTTCTTAGTAGGTTCCGTTGTGTTTTTCCCAAGGATTT[C>A]TCTAATAAAAAGCAAATACAGTTTATTACATACATATGGGCTACTATACCTCCCACTGTA-3'

ClinVar aggregate classification (germline): Pathogenic/Likely pathogenic. Review status: criteria provided, multiple submitters, no conflicts (2 of 4 stars). 2 submissions from 2 submitters: Pathogenic (1); Likely pathogenic (1). Last evaluated 2025-07-21.

Conditions:
Pseudo-Hurler polydystrophy. Also called: ML III; ML III ALPHA/BETA; Type III Mucolipidosis; ML IIIA; Mucolipidosis III Alpha/Beta; MUCOLIPIDOSIS IIIA. Identifiers: Orphanet 423461, Orphanet 577, MedGen C0033788, MONDO:0018931, OMIM 252600.
Mucolipidosis type II. Also called: ML II ALPHA/BETA; Mucolipidosis 2; ML 2; Inclusion cell disease; Leroy Disease; N-acetylglucosamine 1phosphotransferase deficiency. Identifiers: Orphanet 576, MedGen C2673377, MONDO:0009650, OMIM 252500.

Allele frequency attached by ClinVar (database versions not stated): TOPMed 0.00001; ESP Exome Variant Server 0.00015; gnomAD 0.00001; gnomAD exomes 0.00001; ExAC 0.00002.

Submissions (2):

Labcorp Genetics (formerly Invitae), Labcorp
Classification: Pathogenic for Pseudo-Hurler polydystrophy; Mucolipidosis type II. Last evaluated: 2025-07-21. Review status: criteria provided, single submitter. Criteria: Invitae Variant Classification Sherloc (09022015). Collection method: clinical testing. Allele origin: germline.
Comment: This sequence change creates a premature translational stop signal (p.Glu109*) in the GNPTAB gene. It is expected to result in an absent or disrupted protein product. Loss-of-function variants in GNPTAB are known to be pathogenic (PMID: 19617216, 25107912). This variant is present in population databases (rs377553632, gnomAD 0.01%). This premature translational stop signal has been observed in individual(s) with mucolipidosis II (PMID: 30882951). ClinVar contains an entry for this variant (Variation ID: 1459530). For these reasons, this variant has been classified as Pathogenic.

Natera, Inc.
Classification: Likely pathogenic for Mucolipidosis type II. Last evaluated: 2025-04-15. Review status: criteria provided, single submitter. Criteria: Natera Variant Classification Schema (03/2026). Collection method: clinical testing. Allele origin: germline.
Comment: The c.325G>T variant in GNPTAB is a nonsense variant predicted to introduce a stop codon at amino acid 109. This variant is expected to result in nonsense mediated decay, truncation, or a dysfunctional protein product. This variant is rare in the general population with a frequency below the threshold expected for the associated phenotype(s). Given the available evidence, this variant is classified as Likely Pathogenic.

Literature cited by the submitters: PubMed 19617216 (cited by Labcorp Genetics (formerly Invitae), Labcorp); PubMed 25107912 (cited by Labcorp Genetics (formerly Invitae), Labcorp); PubMed 30882951 (cited by Labcorp Genetics (formerly Invitae), Labcorp).